The following is an entry in ClinVar:

NM_018129.4(PNPO):c.692T>A (p.Val231Asp)

Gene: PNPO (pyridoxamine 5'-phosphate oxidase; plus strand). Cytogenetic location: 17q21.32.
Variant type: single nucleotide variant.
Coding change: c.692T>A on transcript NM_018129.4 (MANE Select); coding-DNA position 692, T replaced by A.
Protein change: p.Val231Asp; replaces valine 231 with aspartic acid.
Molecular consequence: missense variant.
Genome position (GRCh38, 1-based): chr17:47,946,688, T>A. VCF-style: chr17-47946688-T-A. GRCh37 (hg19) VCF-style: chr17-46024054-T-A.
Other names: short protein forms V231D.
Identifiers: ClinVar variation 2106141 (VCV002106141.2), dbSNP rs959930110, ClinGen allele CA291297175.

ClinVar aggregate classification (germline): Uncertain significance (1 of 4 stars; one submission).

Conditions:
Pyridoxal phosphate-responsive seizures (PNPOD). Also called: EPILEPTIC ENCEPHALOPATHY, NEONATAL, PNPO-RELATED; SEIZURES, PYRIDOXINE-RESISTANT, PLP-SENSITIVE; Pyridoxamine 5-Prime-Phosphate Oxidase Deficiency; Pyridoxine-5'-phosphate oxidase deficiency; Pyridoxal 5'-Phosphate (PLP)-Dependent Epilepsy. Identifiers: Orphanet 79096, MedGen C1864723, MONDO:0012407, OMIM 610090. Disease mechanism: loss of function.

Allele frequency attached by ClinVar (database versions not stated): gnomAD exomes below 0.00001; gnomAD 0.00001; TOPMed 0.00001.
gnomAD v4.1: 3 of 1,614,060 alleles (0.00019%); highest among the groups gnomAD compares: African/African-American, 0.004%; no homozygotes.

Submission:

Labcorp Genetics (formerly Invitae), Labcorp
Classification: Uncertain significance for Pyridoxal phosphate-responsive seizures. Last evaluated: 2023-05-25. Review status: criteria provided, single submitter. Criteria: Invitae Variant Classification Sherloc (09022015). Collection method: clinical testing. Allele origin: germline.
Comment: Advanced modeling of protein sequence and biophysical properties (such as structural, functional, and spatial information, amino acid conservation, physicochemical variation, residue mobility, and thermodynamic stability) performed at Invitae indicates that this missense variant is not expected to disrupt PNPO protein function. ClinVar contains an entry for this variant (Variation ID: 2106141). This variant has not been reported in the literature in individuals affected with PNPO-related conditions. This variant is present in population databases (no rsID available, gnomAD 0.01%). This sequence change replaces valine, which is neutral and non-polar, with aspartic acid, which is acidic and polar, at codon 231 of the PNPO protein (p.Val231Asp). In summary, the available evidence is currently insufficient to determine the role of this variant in disease. Therefore, it has been classified as a Variant of Uncertain Significance.